The following is an entry in ClinVar:

NM_005591.4(MRE11):c.314+4_314+7del

Gene: MRE11 (MRE11 double strand break repair nuclease; minus strand). Cytogenetic location: 11q21.
Variant type: Microsatellite.
Coding change: c.314+4_314+7del on transcript NM_005591.4 (MANE Select); bases 4 to 7 of the intron after coding-DNA position 314, 4 bases deleted (AGTA; older notation c.314+4_314+7delAGTA).
Molecular consequence: splice donor variant.
Genome position (GRCh38, 1-based): chr11:94,485,917-94,485,920, TACT deleted on the plus strand (AGTA on the coding strand, the reverse complement: MRE11 is on the minus strand); deleting any 4 consecutive bases within chr11:94,485,917-94,485,928 gives the same sequence; the c. name uses the placement nearest the transcript's 3' end. VCF-style (leftmost placement, unchanged base first): chr11-94485916-ATACT-A. GRCh37 (hg19) VCF-style: chr11-94219082-ATACT-A.
Identifiers: ClinVar variation 822979 (VCV000822979.19), ClinGen allele CA601193753.

ClinVar aggregate classification (germline): Conflicting classifications of pathogenicity. Review status: criteria provided, conflicting classifications (1 of 4 stars). 7 submissions from 7 submitters: Pathogenic (1); Likely pathogenic (5); Uncertain significance (1). Last evaluated 2025-03-23.

Conditions:
MRE11-related disorder. Also called: MRE11-related condition.
Ataxia-telangiectasia-like disorder (ATLD). Identifiers: MedGen C1858391, MONDO:0011457.
Ataxia-telangiectasia-like disorder 1 (ATLD1). Identifiers: Orphanet 251347, MedGen C4012790, MONDO:0024557, OMIM 604391.
Hereditary cancer-predisposing syndrome. Also called: Hereditary Cancer Syndrome; Neoplastic Syndromes, Hereditary; Tumor predisposition; Hereditary neoplastic syndrome. Identifiers: Orphanet 140162, MedGen C0027672, MeSH D009386, MONDO:0015356.

Submissions (7):

Dasa
Classification: Likely pathogenic. Last evaluated: 2025-03-23. Review status: criteria provided, single submitter. Criteria: DASA Assertion Criteria. Collection method: clinical testing. Allele origin: germline.
Comment: NM_005591.4(MRE11):c.314+4_314+7del is a splice-region variant. This variant has been recurrently observed in individuals with MRE11-related disorders (PMID: 24030952; PMID: 31033087). Functional evidence supports an impact on the gene or gene product (PMID: 24030952; PMID: 31033087). Also, this variant is rare in population databases. Computational evidence supports a deleterious effect. Based on the currently available evidence, this variant is classified as likely pathogenic.

Ambry Genetics
Classification: Uncertain significance for Hereditary cancer-predisposing syndrome. Last evaluated: 2024-11-22. Review status: criteria provided, single submitter. Criteria: Ambry Variant Classification Scheme 2023. Collection method: clinical testing. Allele origin: germline.
Comment: The c.314+4_314+7delAGTA intronic variant, located in intron 3 of the MRE11A gene, results from a deletion of 4 nucleotides within intron 3 of the MRE11A gene. This variant has been identified in conjunction with or without other MRE11A variant(s) in individual(s) with features consistent with ataxia-telangiectasia-like disorder (ATLD) (N&eacute;meth AH et al. Brain, 2013 Oct;136:3106-18; Fi&eacute;vet A et al. Hum Mutat, 2019 Oct;40:1690-1699; Mahale RR et al. J Pediatr Neurosci, 2020 Nov;15:283-285). This nucleotide region is highly conserved in available vertebrate species. In silico splice site analysis predicts that this alteration will weaken the native splice donor site and may result in the creation or strengthening of a novel splice donor site. Based on the available evidence, the clinical significance of this variant remains unclear.

Fulgent Genetics
Classification: Likely pathogenic for Ataxia-telangiectasia-like disorder 1. Last evaluated: 2024-05-02. Review status: criteria provided, single submitter. Criteria: ACMG Guidelines, 2015. Collection method: clinical testing. Allele origin: germline.

GeneDx
Classification: Pathogenic. Last evaluated: 2023-09-18. Review status: criteria provided, single submitter. Criteria: GeneDx Variant Classification Process June 2021. Collection method: clinical testing. Allele origin: germline. Affected: yes.
Comment: cDNA analysis demonstrated the use of a cryptic site 4 base pairs upstream of the natural splice donor site and a loss of 4 base pairs leading to a premature termination codon and nonsense mediated decay (Fievet et al., 2019); Not observed at significant frequency in large population cohorts (gnomAD); This variant is associated with the following publications: (PMID: 24030952, 33531947, 31033087)

Baylor Genetics
Classification: Likely pathogenic for Ataxia-telangiectasia-like disorder 1. Last evaluated: 2023-08-01. Review status: criteria provided, single submitter. Criteria: ACMG Guidelines, 2015. Collection method: clinical testing. Allele origin: unknown.

PreventionGenetics, part of Exact Sciences
Classification: Likely pathogenic for MRE11-related condition. Last evaluated: 2022-09-12. Review status: criteria provided, single submitter. Criteria: ACMG Guidelines, 2015. Collection method: clinical testing. Allele origin: germline.
Comment: The MRE11 c.314+4_314+7delAGTA variant is predicted to result in an intronic deletion. This variant has been reported in the compound heterozygous state in two patient with an ataxia-telangiectasia-like disorder (Patient 37 in Németh et al. 2013. PubMed ID: 24030952; Patient P3 in Fiévet et al. 2019. PubMed ID: 31033087). Functional analysis of this variant showed that it lead to deletion of the last four nucleotides of exon 4 causing a frameshift (p.Lys105Phefs*4) variant which lead to degradation by nonsense mediated decay (Fiévet et al. 2019. PubMed ID: 31033087). This variant is reported in 0.00088% of alleles in individuals of European (Non-Finnish) descent in gnomAD. Based on this evidence, this variant is interpreted as likely pathogenic.

Labcorp Genetics (formerly Invitae), Labcorp
Classification: Likely pathogenic for Ataxia-telangiectasia-like disorder. Last evaluated: 2021-09-07. Review status: criteria provided, single submitter. Criteria: Invitae Variant Classification Sherloc (09022015). Collection method: clinical testing. Allele origin: germline.
Comment: ClinVar contains an entry for this variant (Variation ID: 822979). This variant has been observed in individuals with ataxia-telangiectasia-like disorder (PMID: 24030952, 31033087). This variant is not present in population databases (ExAC no frequency). This sequence change falls in intron 4 of the MRE11 gene. It does not directly change the encoded amino acid sequence of the MRE11 protein. RNA analysis indicates that this variant induces altered splicing and may result in an absent or disrupted protein product. Variants that disrupt the consensus splice site are a relatively common cause of aberrant splicing (PMID: 17576681, 9536098). Studies have shown that this variant results in activation of cryptic splice site and introduces a premature termination codon (PMID: 31033087). The resulting mRNA is expected to undergo nonsense-mediated decay. In summary, the currently available evidence indicates that the variant is pathogenic, but additional data are needed to prove that conclusively. Therefore, this variant has been classified as Likely Pathogenic.

Literature cited by the submitters: PubMed 24030952 (cited by 3 submitters); PubMed 31033087 (cited by 3 submitters); PubMed 33531947 (cited by Ambry Genetics); PubMed 17576681 (cited by Labcorp Genetics (formerly Invitae), Labcorp); PubMed 9536098 (cited by Labcorp Genetics (formerly Invitae), Labcorp).